The following is an entry in ClinVar:

ClinVar aggregate classification (germline): Pathogenic (1 of 4 stars; one submission).

Conditions:
Limb-girdle muscular dystrophy due to POMK deficiency. Also called: MUSCULAR DYSTROPHY-DYSTROGLYCANOPATHY, LIMB-GIRDLE, POMK-RELATED; Muscular dystrophy-dystroglycanopathy (limb-girdle), type c, 12. Identifiers: Orphanet 445110, MedGen C4015184, MONDO:0014489, OMIM 616094.
Muscular dystrophy-dystroglycanopathy (congenital with brain and eye anomalies), type a, 12 (MDDGA12). Also called: WALKER-WARBURG SYNDROME OR MUSCLE-EYE-BRAIN DISEASE, POMK-RELATED. Identifiers: Orphanet 899, MedGen C3808964, MONDO:0014101, OMIM 615249.

gnomAD v4.1: 4 of 1,613,980 alleles (0.00025%); highest among the groups gnomAD compares: South Asian, 0.0011%; no homozygotes.

Submission:

Labcorp Genetics (formerly Invitae), Labcorp
Classification: Pathogenic for Muscular dystrophy-dystroglycanopathy (congenital with brain and eye anomalies), type a, 12; Limb-girdle muscular dystrophy due to POMK deficiency. Last evaluated: 2023-07-14. Review status: criteria provided, single submitter. Criteria: Invitae Variant Classification Sherloc (09022015). Collection method: clinical testing. Allele origin: germline.
Comment: ClinVar contains an entry for this variant (Variation ID: 949777). This variant has not been reported in the literature in individuals affected with POMK-related conditions. This variant is present in population databases (no rsID available, gnomAD 0.003%). This sequence change affects a donor splice site in intron 4 of the POMK gene. While this variant is not anticipated to result in nonsense mediated decay, it likely alters RNA splicing and results in a disrupted protein product. Variants that disrupt the consensus splice site are a relatively common cause of aberrant splicing (PMID: 17576681, 9536098). Algorithms developed to predict the effect of sequence changes on RNA splicing suggest that this variant may disrupt the consensus splice site. For these reasons, this variant has been classified as Pathogenic. This variant disrupts a region of the POMK protein in which other variant(s) (p.Arg303*) have been determined to be pathogenic (PMID: 29910097, 30060766; Invitae). This suggests that this is a clinically significant region of the protein, and that variants that disrupt it are likely to be disease-causing.

Literature cited by the submitters: PubMed 17576681; PubMed 9536098; PubMed 29910097; PubMed 30060766.

NM_032237.5(POMK):c.282+1G>C

Gene: POMK (protein O-mannose kinase; plus strand). Cytogenetic location: 8p11.21.
Variant type: single nucleotide variant.
Coding change: c.282+1G>C on transcript NM_032237.5 (MANE Select); the canonical splice donor site of the intron after coding-DNA position 282, G replaced by C.
Molecular consequence: splice donor variant.
Genome position (GRCh38, 1-based): chr8:43,103,831, G>C. VCF-style: chr8-43103831-G-C. GRCh37 (hg19) VCF-style: chr8-42958974-G-C.
Other names: c.282+1G>C (NM_001277971.2).
Identifiers: ClinVar variation 949777 (VCV000949777.7), dbSNP rs1206884841, ClinGen allele CA371117919.